The following is an entry in ClinVar:

NM_017617.5(NOTCH1):c.6180+189C>T

Genes: NOTCH1 (notch receptor 1; minus strand), LOC126860794 (BRD4-independent group 4 enhancer GRCh37_chr9:139392592-139393791; plus strand). Cytogenetic location: 9q34.3.
Variant type: single nucleotide variant.
Coding change: c.6180+189C>T on transcript NM_017617.5 (MANE Select); 189 bases into the intron after coding-DNA position 6180, C replaced by T.
Molecular consequence: intron variant.
Genome position (GRCh38, 1-based): chr9:136,498,710, G>A on the plus strand (C>T on the coding strand, the complement: NOTCH1 is on the minus strand). VCF-style: chr9-136498710-G-A. GRCh37 (hg19) VCF-style: chr9-139393162-G-A.
Identifiers: ClinVar variation 678558 (VCV000678558.1), dbSNP rs3124592, ClinGen allele CA13041476.
Genomic context (GRCh38, chr9:136,498,710, plus strand): 5'-CTGAGGGGCGAGCCGCCGTGTCCTGACAGCTGGACCTGCACTTGGAAGGGCTCCATAAAC[G>A]GGGGCTGAAGGAAGGCAGGAGCACTAACGAGGTGCCCGCATCATGCGGGTGGGGCCCACA-3'

ClinVar aggregate classification (germline): Benign (1 of 4 stars; one submission).

Allele frequency attached by ClinVar (database versions not stated): gnomAD 0.54521 and 0.55708; TOPMed 0.56149; 1000 Genomes Project 30x 0.63835; 1000 Genomes Project 0.64776.
gnomAD v4.1: 84,606 of 152,082 alleles (56%); highest among the groups gnomAD compares: East Asian, 94%; 24,209 homozygotes.

Submission:

GeneDx
Classification: Benign. Last evaluated: 2018-06-14. Review status: criteria provided, single submitter. Criteria: GeneDx Variant Classification (06012015). Collection method: clinical testing. Allele origin: germline. Affected: yes.
Comment: This variant is considered likely benign or benign based on one or more of the following criteria: it is a conservative change, it occurs at a poorly conserved position in the protein, it is predicted to be benign by multiple in silico algorithms, and/or has population frequency not consistent with disease.